The following is an entry in ClinVar:

ClinVar aggregate classification (germline): Uncertain significance (1 of 4 stars; one submission).

Conditions:
Developmental and epileptic encephalopathy, 27 (DEE27). Also called: GRIN2B-Related Neurodevelopmental Disorder; Epileptic encephalopathy, early infantile, 27. Identifiers: Orphanet 3451, MedGen C4015316, MONDO:0014505, OMIM 616139.
Intellectual developmental disorder, autosomal dominant 6, with or without seizures. Also called: Intellectual disability, autosomal dominant 6; GRIN2B-related developmental delay, intellectual disability and autism spectrum disorder. Identifiers: Orphanet 589547, MedGen C3151411, MONDO:0013509, OMIM 613970.

Submission:

Labcorp Genetics (formerly Invitae), Labcorp
Classification: Uncertain significance for Developmental and epileptic encephalopathy, 27; Intellectual developmental disorder, autosomal dominant 6, with or without seizures. Last evaluated: 2022-01-11. Review status: criteria provided, single submitter. Criteria: Invitae Variant Classification Sherloc (09022015). Collection method: clinical testing. Allele origin: germline.
Comment: This variant, c.271_274delinsCCCT, is a complex sequence change that results in the deletion of 2 and insertion of 2 amino acid(s) in the GRIN2B protein (p.Asp91_Arg92delinsProTrp). This variant is not present in population databases (gnomAD no frequency). This variant has not been reported in the literature in individuals affected with GRIN2B-related conditions. Algorithms developed to predict the effect of missense changes on protein structure and function are either unavailable or do not agree on the potential impact of this missense change (SIFT: "Tolerated"; PolyPhen-2: "Possibly Damaging"; Align-GVGD: "Class C0"). In summary, the available evidence is currently insufficient to determine the role of this variant in disease. Therefore, it has been classified as a Variant of Uncertain Significance.

NM_000834.5(GRIN2B):c.271_274delinsCCCT (p.Asp91_Arg92delinsProTrp)

Gene: GRIN2B (glutamate ionotropic receptor NMDA type subunit 2B; minus strand). Cytogenetic location: 12p13.1.
Variant type: Indel.
Coding change: c.271_274delinsCCCT on transcript NM_000834.5 (MANE Select); coding-DNA positions 271 to 274, GACC replaced by CCCT.
Protein change: p.Asp91_Arg92delinsProTrp.
Molecular consequence: missense variant.
Genome position (GRCh38, 1-based): chr12:13,865,935-13,865,938, GGTC replaced by AGGG on the plus strand (GACC replaced by CCCT on the coding strand, the reverse complement: GRIN2B is on the minus strand). VCF-style: chr12-13865935-GGTC-AGGG. GRCh37 (hg19) VCF-style: chr12-14018869-GGTC-AGGG.
Other names: c.271_274delGACCinsCCCT, p.Asp91_Arg92delinsProTrp (NM_001413992.1, NM_001413993.1, NM_001413994.1 and 1 more transcripts).
Identifiers: ClinVar variation 2078717 (VCV002078717.4), dbSNP rs2497983350, ClinGen allele CA2580085174.
Genomic context (GRCh38, chr12:13,865,935, plus strand): 5'-GGATCTGGGCGATGGCTTCCTGGTCTGTGTCATCAGCAAACACCACCCCCTGGATCTTCC[GGTC>AGGG]AGACATGAGATCACAGATGCGGGTGATGATGCTCTTTGGGTCGGTCTCATTCATGGCTAC-3'